The following is an entry in ClinVar:

ClinVar aggregate classification (germline): Uncertain significance (1 of 4 stars; one submission).

gnomAD v4.1: 2 of 1,609,496 alleles (0.00012%); highest among the groups gnomAD compares: Admixed American, 0.0017%; no homozygotes.

Submission:

Labcorp Genetics (formerly Invitae), Labcorp
Classification: Uncertain significance. Last evaluated: 2022-04-15. Review status: criteria provided, single submitter. Criteria: Invitae Variant Classification Sherloc (09022015). Collection method: clinical testing. Allele origin: germline.
Comment: This sequence change replaces valine, which is neutral and non-polar, with leucine, which is neutral and non-polar, at codon 221 of the MYLK3 protein (p.Val221Leu). This variant is present in population databases (no rsID available, gnomAD 0.003%). This variant has not been reported in the literature in individuals affected with MYLK3-related conditions. Algorithms developed to predict the effect of missense changes on protein structure and function (SIFT, PolyPhen-2, Align-GVGD) all suggest that this variant is likely to be tolerated. In summary, the available evidence is currently insufficient to determine the role of this variant in disease. Therefore, it has been classified as a Variant of Uncertain Significance.

NM_182493.3(MYLK3):c.661G>C (p.Val221Leu)

Gene: MYLK3 (myosin light chain kinase 3; minus strand). Cytogenetic location: 16q11.2.
Variant type: single nucleotide variant.
Coding change: c.661G>C on transcript NM_182493.3 (MANE Select); coding-DNA position 661, G replaced by C.
Protein change: p.Val221Leu; replaces valine 221 with leucine.
Molecular consequence: missense variant. On other transcripts: intron variant (1).
Genome position (GRCh38, 1-based): chr16:46,738,051, C>G on the plus strand (G>C on the coding strand, the complement: MYLK3 is on the minus strand). VCF-style: chr16-46738051-C-G. GRCh37 (hg19) VCF-style: chr16-46771963-C-G.
Other names: c.-23+2006G>C (NM_001308301.1); short protein forms V221L.
Identifiers: ClinVar variation 2126260 (VCV002126260.4), dbSNP rs773986726, ClinGen allele CA395794480.